The following is an entry in ClinVar:

ClinVar aggregate classification (germline): Likely benign. Review status: criteria provided, multiple submitters, no conflicts (2 of 4 stars). 4 submissions from 4 submitters: Likely benign (3). 1 of the submissions does not count toward it. Last evaluated 2025-11-04.

Conditions:
GABRB1-related disorder. Also called: GABRB1-related condition.

Allele frequency attached by ClinVar (database versions not stated): 1000 Genomes Project 30x 0.00016; 1000 Genomes Project 0.00020; TOPMed 0.00049; gnomAD 0.00073 and 0.00081; ESP Exome Variant Server 0.00077; gnomAD exomes 0.00100 and 0.00101; ExAC 0.00115.
gnomAD v4.1: 1,585 of 1,613,884 alleles (0.098%); highest among the groups gnomAD compares: Non-Finnish European, 0.11%; 1 homozygote.

Submissions (4):

Labcorp Genetics (formerly Invitae), Labcorp
Classification: Likely benign. Last evaluated: 2025-11-04. Review status: criteria provided, single submitter. Criteria: Invitae Variant Classification Sherloc (09022015). Collection method: clinical testing. Allele origin: germline.

CeGaT Center for Human Genetics Tuebingen
Classification: Likely benign. Last evaluated: 2025-05-01. Review status: criteria provided, single submitter. Criteria: CeGaT Center For Human Genetics Tuebingen Variant Classification Criteria Version 2. Collection method: clinical testing. Allele origin: germline. Affected: yes. Observed: 2 variant alleles.
Comment: GABRB1: BP4, BP7

Blueprint Genetics
Classification: Likely benign. Last evaluated: 2024-11-25. Review status: criteria provided, single submitter. Criteria: ACMG Guidelines, 2015. Collection method: clinical testing. Allele origin: germline.

PreventionGenetics, part of Exact Sciences
Classification: Likely benign for GABRB1-related condition. Last evaluated: 2019-06-24. Review status: no assertion criteria provided. Collection method: clinical testing. Allele origin: germline. Not counted in ClinVar's aggregate classification.
Comment: This variant is classified as likely benign based on ACMG/AMP sequence variant interpretation guidelines (Richards et al. 2015 PMID: 25741868, with internal and published modifications).

NM_000812.4(GABRB1):c.774A>T (p.Thr258=)

Gene: GABRB1 (gamma-aminobutyric acid type A receptor subunit beta1; plus strand). Cytogenetic location: 4p12.
Variant type: single nucleotide variant.
Coding change: c.774A>T on transcript NM_000812.4 (MANE Select); coding-DNA position 774, A replaced by T.
Protein change: p.Thr258=; no amino-acid change (threonine 258 retained).
Molecular consequence: synonymous variant.
Genome position (GRCh38, 1-based): chr4:47,403,650, A>T. VCF-style: chr4-47403650-A-T. GRCh37 (hg19) VCF-style: chr4-47405667-A-T.
Identifiers: ClinVar variation 708666 (VCV000708666.28), dbSNP rs74488269, ClinGen allele CA2907679.
Genomic context (GRCh38, chr4:47,403,650, plus strand): 5'-TCTAAAGAGAAACATTGGTTACTTCATTTTGCAAACCTACATGCCTTCTACACTGATTAC[A>T]ATTCTGTCCTGGGTGTCTTTTTGGATCAACTATGATGCATCTGCAGCCAGAGTCGCACTA-3'
Protein context (NP_000803.2, residues 248-268): LQTYMPSTLI[Thr258=]ILSWVSFWIN